The following is an entry in ClinVar:

NM_004260.4(RECQL4):c.3509C>T (p.Pro1170Leu)

Gene: RECQL4 (RecQ like helicase 4; minus strand). Cytogenetic location: 8q24.3.
Variant type: single nucleotide variant.
Coding change: c.3509C>T on transcript NM_004260.4 (MANE Select); coding-DNA position 3509, C replaced by T.
Protein change: p.Pro1170Leu; replaces proline 1170 with leucine.
Molecular consequence: missense variant.
Genome position (GRCh38, 1-based): chr8:144,511,549, G>A on the plus strand (C>T on the coding strand, the complement: RECQL4 is on the minus strand). VCF-style: chr8-144511549-G-A. GRCh37 (hg19) VCF-style: chr8-145736932-G-A.
Other names: short protein forms P1170L.
Identifiers: ClinVar variation 1045222 (VCV001045222.8), dbSNP rs772265082, ClinGen allele CA4947669.

ClinVar aggregate classification (germline): Uncertain significance. Review status: criteria provided, multiple submitters, no conflicts (2 of 4 stars). 3 submissions from 3 submitters: Uncertain significance (3). Last evaluated 2025-01-17.

Conditions:
Baller-Gerold syndrome (BGS). Also called: CRANIOSYNOSTOSIS WITH RADIAL DEFECTS. Identifiers: Orphanet 1225, MedGen C0265308, MONDO:0009039, OMIM 218600.
Rapadilino syndrome. Identifiers: Orphanet 3021, MedGen C1849453, MONDO:0009955, OMIM 266280.
Rothmund-Thomson syndrome type 2 (RTS2). Identifiers: Orphanet 221016, MedGen C5203410, MONDO:0016369, OMIM 268400.

Allele frequency attached by ClinVar (database versions not stated): gnomAD exomes 0.00001 and 0.00003; gnomAD 0.00003; ExAC 0.00002; TOPMed 0.00002.

Submissions (3):

Dasa
Classification: Uncertain significance. Last evaluated: 2025-01-17. Review status: criteria provided, single submitter. Criteria: DASA Assertion Criteria. Collection method: clinical testing. Allele origin: germline.
Comment: NM_004260.4(RECQL4):c.3509C>T (p.Pro1170Leu) is a missense variant that results in the substitution of proline with leucine. This variant has been reported in individuals with RECQL4-related disorders (PMID: 12734318). Also, this variant is rare in population databases. The currently available literature and clinical evidence are not sufficient to establish a definitive association between this variant and the reported condition. Therefore, this variant is classified as a variant of uncertain significance.

Labcorp Genetics (formerly Invitae), Labcorp
Classification: Uncertain significance for Baller-Gerold syndrome. Last evaluated: 2024-07-30. Review status: criteria provided, single submitter. Criteria: Invitae Variant Classification Sherloc (09022015). Collection method: clinical testing. Allele origin: germline.
Comment: This sequence change replaces proline, which is neutral and non-polar, with leucine, which is neutral and non-polar, at codon 1170 of the RECQL4 protein (p.Pro1170Leu). This variant is present in population databases (rs772265082, gnomAD 0.02%). This missense change has been observed in individual(s) with clinical features of RECQL4-related conditions (PMID: 12734318). This variant is also known as g.6205C>T. ClinVar contains an entry for this variant (Variation ID: 1045222). Advanced modeling of protein sequence and biophysical properties (such as structural, functional, and spatial information, amino acid conservation, physicochemical variation, residue mobility, and thermodynamic stability) performed at Invitae indicates that this missense variant is expected to disrupt RECQL4 protein function with a positive predictive value of 80%. In summary, the available evidence is currently insufficient to determine the role of this variant in disease. Therefore, it has been classified as a Variant of Uncertain Significance.

Fulgent Genetics
Classification: Uncertain significance for Baller-Gerold syndrome; Rapadilino syndrome; Rothmund-Thomson syndrome type 2. Last evaluated: 2021-12-01. Review status: criteria provided, single submitter. Criteria: ACMG Guidelines, 2015. Collection method: clinical testing. Allele origin: unknown.

Literature cited by the submitters: PubMed 12734318 (cited by Dasa and Labcorp Genetics (formerly Invitae), Labcorp).